The following is an entry in ClinVar:

ClinVar aggregate classification (germline): Pathogenic (1 of 4 stars; one submission).

Conditions:
Hereditary cancer-predisposing syndrome. Also called: Neoplastic Syndromes, Hereditary; Tumor predisposition; Hereditary Cancer Syndrome; Hereditary neoplastic syndrome. Identifiers: Orphanet 140162, MedGen C0027672, MeSH D009386, MONDO:0015356.

Submission:

Ambry Genetics
Classification: Pathogenic for Hereditary cancer-predisposing syndrome. Last evaluated: 2020-08-03. Review status: criteria provided, single submitter. Criteria: Ambry Variant Classification Scheme 2023. Collection method: clinical testing. Allele origin: germline.
Comment: The p.Q170* pathogenic mutation (also known as c.508C>T), located in coding exon 5 of the MRE11A gene, results from a C to T substitution at nucleotide position 508. This changes the amino acid from a glutamine to a stop codon within coding exon 5. This alteration is expected to result in loss of function by premature protein truncation or nonsense-mediated mRNA decay. As such, this alteration is interpreted as a disease-causing mutation.

NM_005591.4(MRE11):c.508C>T (p.Gln170Ter)

Gene: MRE11 (MRE11 double strand break repair nuclease; minus strand). Cytogenetic location: 11q21.
Variant type: single nucleotide variant.
Coding change: c.508C>T on transcript NM_005591.4 (MANE Select); coding-DNA position 508, C replaced by T.
Protein change: p.Gln170Ter; replaces glutamine 170 with a stop codon.
Molecular consequence: nonsense.
Genome position (GRCh38, 1-based): chr11:94,478,771, G>A on the plus strand (C>T on the coding strand, the complement: MRE11 is on the minus strand). VCF-style: chr11-94478771-G-A. GRCh37 (hg19) VCF-style: chr11-94211937-G-A.
Other names: c.508C>T, p.Gln170Ter (NM_001330347.2, NM_005590.4); short protein forms Q170*.
Identifiers: ClinVar variation 141813 (VCV000141813.5), dbSNP rs587782030, ClinGen allele CA166507.